The following is an entry in ClinVar:

NM_000321.3(RB1):c.811A>G (p.Thr271Ala)

Gene: RB1 (RB transcriptional corepressor 1; plus strand). Cytogenetic location: 13q14.2.
Variant type: single nucleotide variant.
Coding change: c.811A>G on transcript NM_000321.3 (MANE Select); coding-DNA position 811, A replaced by G.
Protein change: p.Thr271Ala; replaces threonine 271 with alanine.
Molecular consequence: missense variant.
Genome position (GRCh38, 1-based): chr13:48,362,907, A>G. VCF-style: chr13-48362907-A-G. GRCh37 (hg19) VCF-style: chr13-48937043-A-G.
Other names: short protein forms T271A.
Identifiers: ClinVar variation 1369924 (VCV001369924.8), dbSNP rs1461707277, ClinGen allele CA388159529.

ClinVar aggregate classification (germline): Uncertain significance (1 of 4 stars; one submission).

Conditions:
Retinoblastoma (RB1). Also called: RETINOBLASTOMA, SOMATIC. Identifiers: Orphanet 790, MedGen C0035335, MeSH D012175, MONDO:0008380, OMIM 180200, HP:0009919. Disease mechanism: loss of function. Inheritance: Both sporadic and heritable forms are tested..

Submission:

Labcorp Genetics (formerly Invitae), Labcorp
Classification: Uncertain significance for Retinoblastoma. Last evaluated: 2022-05-04. Review status: criteria provided, single submitter. Criteria: Invitae Variant Classification Sherloc (09022015). Collection method: clinical testing. Allele origin: germline.
Comment: This variant is not present in population databases (gnomAD no frequency). This sequence change replaces threonine, which is neutral and polar, with alanine, which is neutral and non-polar, at codon 271 of the RB1 protein (p.Thr271Ala). In summary, the available evidence is currently insufficient to determine the role of this variant in disease. Therefore, it has been classified as a Variant of Uncertain Significance. Algorithms developed to predict the effect of missense changes on protein structure and function (SIFT, PolyPhen-2, Align-GVGD) all suggest that this variant is likely to be tolerated. This variant has not been reported in the literature in individuals affected with RB1-related conditions.